The following is an entry in ClinVar:

NM_000501.4(ELN):c.1096+12TG[25]

Gene: ELN (elastin; plus strand). Cytogenetic location: 7q11.23.
Variant type: Microsatellite.
Coding change: c.1096+12TG[25] on transcript NM_000501.4 (MANE Select); 25 copies in a row of the 2-base unit TG starting at c.1096+12.
Molecular consequence: intron variant.
Genome position: GRCh38 VCF-style: chr7-74053320-C-CTGTGTGTGTGTG. GRCh37 (hg19) VCF-style: chr7-73467650-C-CTGTGTGTGTGTG.
Other names: c.1111+12TG[25] (NM_001081754.3, NM_001081753.3); c.1096+12TG[25] (NM_001278939.2, NM_001278915.2, NM_001278912.2 and 1 more transcripts); c.1054+12TG[25] (NM_001278916.2); c.988+12TG[25] (NM_001278913.2); c.1081+12TG[25] (NM_001278914.2); c.1066+12TG[25] (NM_001278917.2, NM_001081752.3); c.964+12TG[25] (NM_001278918.2).
Identifiers: ClinVar variation 2064783 (VCV002064783.5), dbSNP rs10579871, ClinGen allele CA842073332.

ClinVar aggregate classification (germline): Conflicting classifications of pathogenicity. Review status: criteria provided, conflicting classifications (1 of 4 stars). 2 submissions from 2 submitters: Uncertain significance (1); Likely benign (1). Last evaluated 2024-09-17.

Conditions:
Supravalvar aortic stenosis (SVAS). Also called: Supravalvar aortic stenosis, Eisenberg type. Identifiers: Orphanet 3193, MedGen C0003499, MONDO:0008504, OMIM 185500, HP:0004381.

Submissions (2):

Blueprint Genetics
Classification: Likely benign. Last evaluated: 2024-09-17. Review status: criteria provided, single submitter. Criteria: ACMG Guidelines, 2015. Collection method: clinical testing. Allele origin: germline.

Labcorp Genetics (formerly Invitae), Labcorp
Classification: Uncertain significance for Supravalvar aortic stenosis. Last evaluated: 2021-10-11. Review status: criteria provided, single submitter. Criteria: Invitae Variant Classification Sherloc (09022015). Collection method: clinical testing. Allele origin: germline.
Comment: In summary, the available evidence is currently insufficient to determine the role of this variant in disease. Therefore, it has been classified as a Variant of Uncertain Significance. Experimental studies and prediction algorithms are not available or were not evaluated, and the effect of this variant on mRNA splicing is currently unknown. This variant has not been reported in the literature in individuals affected with ELN-related conditions. This variant is not present in population databases (ExAC no frequency). This sequence change falls in intron 18 of the ELN gene. It does not directly change the encoded amino acid sequence of the ELN protein.